The following is an entry in ClinVar:

NM_000424.4(KRT5):c.413G>A (p.Gly138Glu)

Gene: KRT5 (keratin 5; minus strand). Cytogenetic location: 12q13.13.
Variant type: single nucleotide variant.
Coding change: c.413G>A on transcript NM_000424.4 (MANE Select); coding-DNA position 413, G replaced by A.
Protein change: p.Gly138Glu; replaces glycine 138 with glutamic acid.
Molecular consequence: missense variant.
Genome position (GRCh38, 1-based): chr12:52,519,884, C>T on the plus strand (G>A on the coding strand, the complement: KRT5 is on the minus strand). VCF-style: chr12-52519884-C-T. GRCh37 (hg19) VCF-style: chr12-52913668-C-T.
Other names: short protein forms G138E.
Identifiers: ClinVar variation 66234 (VCV000066234.17), dbSNP rs11170164, ClinGen allele CA216707.

ClinVar aggregate classification (germline): Benign. Review status: criteria provided, multiple submitters, no conflicts (2 of 4 stars). 6 submissions from 6 submitters: Benign (5). 1 of the submissions does not count toward it. Last evaluated 2026-01-26.

Conditions:
Epidermolysis bullosa simplex. Also called: Epidermolysis bullosa simplex, Weber-Cockayne type (subtype); Epidermolysis bullosa simplex, Dowling-Meara type (subtype); Epidermolysis bullosa simplex with mottled pigmentation (subtype). Identifiers: Orphanet 304, MedGen C0079298, MONDO:0017610.

Allele frequency attached by ClinVar (database versions not stated): 1000 Genomes Project 0.02656; TOPMed 0.04367; gnomAD 0.05263 and 0.05271; ESP Exome Variant Server 0.05459; gnomAD exomes 0.05652; ExAC 0.05817; 1000 Genomes Project 30x 0.02592.
gnomAD v4.1: 111,595 of 1,613,822 alleles (6.9%); highest among the groups gnomAD compares: Non-Finnish European, 7.9%; 4,399 homozygotes.

Submissions (6):

Labcorp Genetics (formerly Invitae), Labcorp
Classification: Benign. Last evaluated: 2026-01-26. Review status: criteria provided, single submitter. Criteria: Invitae Variant Classification Sherloc (09022015). Collection method: clinical testing. Allele origin: germline.

Illumina Laboratory Services, Illumina
Classification: Benign for Epidermolysis bullosa simplex. Last evaluated: 2018-03-06. Review status: criteria provided, single submitter. Criteria: ICSL Variant Classification Criteria 13 December 2019. Collection method: clinical testing. Allele origin: germline.
Comment: This variant was observed in the ICSL laboratory as part of a predisposition screen in an ostensibly healthy population. It had not been previously curated by ICSL or reported in the Human Gene Mutation Database (HGMD: prior to June 1st, 2018), and was therefore a candidate for classification through an automated scoring system. Utilizing variant allele frequency, disease prevalence and penetrance estimates, and inheritance mode, an automated score was calculated to assess if this variant is too frequent to cause the disease. Based on the score and internal cut-off values, a variant classified as benign is not then subjected to further curation. The score for this variant resulted in a classification of benign for this disease.

GeneDx
Classification: Benign. Last evaluated: 2015-03-03. Review status: criteria provided, single submitter. Criteria: GeneDx Variant Classification Process June 2021. Collection method: clinical testing. Allele origin: germline. Affected: yes.
Comment: This variant is associated with the following publications: (PMID: 32885477, 17549391, 27884173, 20981092, 19578363, 20849457, 23746086)

Breakthrough Genomics
Classification: Benign. Review status: criteria provided, single submitter. Criteria: ACMG Guidelines, 2015. Collection method: not provided. Allele origin: germline. Inheritance: Autosomal recessive inheritance. Affected: yes.

PreventionGenetics, part of Exact Sciences
Classification: Benign. Review status: criteria provided, single submitter. Criteria: ACMG Guidelines, 2015. Collection method: clinical testing. Allele origin: germline.

Epithelial Biology;  Institute of Medical Biology, Singapore
No classification provided. Review status: no classification provided. Collection method: not provided. Allele origin: not provided. Not counted in ClinVar's aggregate classification.